The following is an entry in ClinVar:

ClinVar aggregate classification (germline): Likely benign. Review status: criteria provided, multiple submitters, no conflicts (2 of 4 stars). 2 submissions from 2 submitters: Likely benign (2). Last evaluated 2025-05-19.

Submissions (2):

Labcorp Genetics (formerly Invitae), Labcorp
Classification: Likely benign. Last evaluated: 2025-05-19. Review status: criteria provided, single submitter. Criteria: Invitae Variant Classification Sherloc (09022015). Collection method: clinical testing. Allele origin: germline.

GeneDx
Classification: Likely benign. Last evaluated: 2021-09-29. Review status: criteria provided, single submitter. Criteria: GeneDx Variant Classification Process June 2021. Collection method: clinical testing. Allele origin: germline. Affected: yes.
Comment: In silico analysis supports a deleterious effect on protein structure/function; In-frame deletion of 1 amino acid in a repetitive region with no known function; Has not been previously published as pathogenic or benign to our knowledge

NM_006766.5(KAT6A):c.2965GAG[4] (p.Glu993del)

Gene: KAT6A (lysine acetyltransferase 6A; minus strand). Cytogenetic location: 8p11.21.
Variant type: Microsatellite.
Coding change: c.2965GAG[4] on transcript NM_006766.5 (MANE Select); four copies in a row of the 3-base unit GAG starting at c.2965; the reference has five copies in a row; one copy, 3 bases deleted.
Protein change: p.Glu993del; deletes glutamic acid 993.
Molecular consequence: inframe deletion.
Genome position (GRCh38, 1-based): chr8:41,940,902-41,940,904, CTC deleted on the plus strand (GAG on the coding strand, the reverse complement: KAT6A is on the minus strand); deleting any 3 consecutive bases within chr8:41,940,902-41,940,916 gives the same sequence; the position shown is the placement nearest the transcript's 3' end. VCF-style (leftmost placement, unchanged base first): chr8-41940901-GCTC-G. GRCh37 (hg19) VCF-style: chr8-41798419-GCTC-G.
Other names: short protein forms E993del.
Identifiers: ClinVar variation 1300574 (VCV001300574.9), dbSNP rs139076845, ClinGen allele CA4729792.